The following is an entry in ClinVar:

ClinVar aggregate classification (germline): Uncertain significance (1 of 4 stars; one submission).

Allele frequency attached by ClinVar (database versions not stated): TOPMed below 0.00001.

Submission:

Labcorp Genetics (formerly Invitae), Labcorp
Classification: Uncertain significance. Last evaluated: 2022-11-28. Review status: criteria provided, single submitter. Criteria: Invitae Variant Classification Sherloc (09022015). Collection method: clinical testing. Allele origin: germline.
Comment: In summary, the available evidence is currently insufficient to determine the role of this variant in disease. Therefore, it has been classified as a Variant of Uncertain Significance. This sequence change replaces alanine, which is neutral and non-polar, with valine, which is neutral and non-polar, at codon 1781 of the GPR179 protein (p.Ala1781Val). This variant is not present in population databases (gnomAD no frequency). This variant has not been reported in the literature in individuals affected with GPR179-related conditions. Algorithms developed to predict the effect of missense changes on protein structure and function (SIFT, PolyPhen-2, Align-GVGD) all suggest that this variant is likely to be tolerated.

NM_001004334.4(GPR179):c.5342C>T (p.Ala1781Val)

Gene: GPR179 (G protein-coupled receptor 179; minus strand). Cytogenetic location: 17q12.
Variant type: single nucleotide variant.
Coding change: c.5342C>T on transcript NM_001004334.4 (MANE Select); coding-DNA position 5342, C replaced by T.
Protein change: p.Ala1781Val; replaces alanine 1781 with valine.
Molecular consequence: missense variant.
Genome position (GRCh38, 1-based): chr17:38,328,227, G>A on the plus strand (C>T on the coding strand, the complement: GPR179 is on the minus strand). VCF-style: chr17-38328227-G-A. GRCh37 (hg19) VCF-style: chr17-36484110-G-A.
Other names: short protein forms A1781V.
Identifiers: ClinVar variation 2105666 (VCV002105666.4), dbSNP rs1201220760, ClinGen allele CA398872348.